The following is an entry in ClinVar:

ClinVar aggregate classification (germline): Conflicting classifications of pathogenicity. Review status: criteria provided, conflicting classifications (1 of 4 stars). 3 submissions from 3 submitters: Uncertain significance (2); Benign (1). Last evaluated 2025-09-15.

Conditions:
Hereditary cancer-predisposing syndrome. Also called: Tumor predisposition; Hereditary Cancer Syndrome; Hereditary neoplastic syndrome; Neoplastic Syndromes, Hereditary. Identifiers: Orphanet 140162, MedGen C0027672, MeSH D009386, MONDO:0015356.
Familial adenomatous polyposis 2. Also called: COLORECTAL ADENOMATOUS POLYPOSIS, AUTOSOMAL RECESSIVE; MUTYH Polyposis; MUTYH-associated polyposis; MUTYH-related attenuated familial adenomatous polyposis; Adenomas, multiple colorectal; ADENOMAS, MULTIPLE COLORECTAL, AUTOSOMAL RECESSIVE. Identifiers: Orphanet 220460, Orphanet 247798, MedGen C3272841, MONDO:0012041, OMIM 608456.

Allele frequency attached by ClinVar (database versions not stated): ExAC 0.00001.
gnomAD v4.1: 4 of 1,614,076 alleles (0.00025%); highest among the groups gnomAD compares: Non-Finnish European, 0.00034%; no homozygotes.

Submissions (3):

Ambry Genetics
Classification: Benign for Hereditary cancer-predisposing syndrome. Last evaluated: 2025-09-15. Review status: criteria provided, single submitter. Criteria: Ambry Variant Classification Scheme 2023. Collection method: clinical testing. Allele origin: germline.

Labcorp Genetics (formerly Invitae), Labcorp
Classification: Uncertain significance for Familial adenomatous polyposis 2. Last evaluated: 2024-05-06. Review status: criteria provided, single submitter. Criteria: Invitae Variant Classification Sherloc (09022015). Collection method: clinical testing. Allele origin: germline.
Comment: This sequence change replaces arginine, which is basic and polar, with glycine, which is neutral and non-polar, at codon 19 of the MUTYH protein (p.Arg19Gly). This variant is present in population databases (rs587780088, gnomAD 0.0009%). This missense change has been observed in individual(s) with colorectal polyposis (PMID: 24470512). ClinVar contains an entry for this variant (Variation ID: 406831). An algorithm developed to predict the effect of missense changes on protein structure and function (PolyPhen-2) suggests that this variant is likely to be disruptive. In summary, the available evidence is currently insufficient to determine the role of this variant in disease. Therefore, it has been classified as a Variant of Uncertain Significance.

All of Us Research Program, National Institutes of Health
Classification: Uncertain significance for Familial adenomatous polyposis 2. Last evaluated: 2024-01-11. Review status: criteria provided, single submitter. Criteria: ACMG Guidelines, 2015. Collection method: clinical testing. Allele origin: germline. Inheritance: Autosomal recessive inheritance. Observed: 1 variant allele, 1 heterozygote.
Comment: This missense variant replaces arginine with glycine at codon 19 of the MUTYH protein. Computational prediction suggests that this variant may not impact protein structure and function (internally defined REVEL score threshold <= 0.5, PMID: 27666373). To our knowledge, functional studies have not been reported for this variant. This variant has not been reported in individuals affected with hereditary cancer in the literature. This variant has been identified in 1/251478 chromosomes in the general population by the Genome Aggregation Database (gnomAD). The available evidence is insufficient to determine the role of this variant in disease conclusively. Therefore, this variant is classified as a Variant of Uncertain Significance.

This study involves interpretation of variants in research participants for the purpose of population health screening. Participant phenotype was not available at the time of variant classification. Additional details can be found in publication PMID: 35346344, PMCID: PMC8962531

Literature cited by the submitters: PubMed 24470512 (cited by Ambry Genetics and Labcorp Genetics (formerly Invitae), Labcorp).

NM_001048174.2(MUTYH):c.13C>G (p.Arg5Gly)

Gene: MUTYH (mutY DNA glycosylase; minus strand). Cytogenetic location: 1p34.1.
Variant type: single nucleotide variant.
Coding change: c.13C>G on transcript NM_001048174.2 (MANE Select); coding-DNA position 13, C replaced by G.
Protein change: p.Arg5Gly; replaces arginine 5 with glycine.
Molecular consequence: missense variant. On other transcripts: 5 prime UTR variant (4), non-coding transcript variant (2).
Genome position (GRCh38, 1-based): chr1:45,334,493, G>C on the plus strand (C>G on the coding strand, the complement: MUTYH is on the minus strand). VCF-style: chr1-45334493-G-C. GRCh37 (hg19) VCF-style: chr1-45800165-G-C.
Other names: c.13C>G, p.Arg5Gly (NM_001048171.2, NM_001048172.2, NM_001048173.2 and 2 more transcripts); c.55C>G, p.Arg19Gly (NM_001128425.2, NM_001293190.2, NM_012222.3); c.-200C>G (NM_001293192.2, NM_001293196.2); c.-259C>G (NM_001350650.2); c.-195C>G (NM_001350651.2); short protein forms R19G, R5G.
Identifiers: ClinVar variation 406831 (VCV000406831.12), dbSNP rs587780088, ClinGen allele CA056632.